The following is an entry in ClinVar:

ClinVar aggregate classification (germline): Uncertain significance (1 of 4 stars; one submission).

Conditions:
MATN3-related disorder. Also called: MATN3-related condition.

Submission:

PreventionGenetics, part of Exact Sciences
Classification: Uncertain significance for MATN3-related condition. Last evaluated: 2026-02-23. Review status: criteria provided, single submitter. Criteria: ACMG Guidelines, 2015. Collection method: clinical testing. Allele origin: germline.
Comment: The MATN3 c.1168+914C>T variant is predicted to interfere with splicing. To our knowledge, this variant has not been reported in the literature or in a large population database (gnomAD), indicating this variant is rare. This variant is predicted to create a cryptic splice site in a deep intronic region of the MATN3 gene which, if utilized, may lead to a frameshift-inducing insertion of intronic sequence and premature protein termination (SpliceAI, Jaganathan et al. 2019. PubMed ID: 30661751); however, the output of in silico prediction programs may be incorrect and should not be considered equivalent to functional evidence. At this time, the clinical significance of this variant is uncertain due to the absence of conclusive functional and genetic evidence.

NM_002381.5(MATN3):c.1168+914C>T

Genes: MATN3 (matrilin 3; minus strand), WDR35-DT (WDR35 divergent transcript; plus strand). Cytogenetic location: 2p24.1.
Variant type: single nucleotide variant.
Coding change: c.1168+914C>T on transcript NM_002381.5 (MANE Select); 914 bases into the intron after coding-DNA position 1168, C replaced by T.
Molecular consequence: intron variant.
Genome position (GRCh38, 1-based): chr2:19,999,527, G>A on the plus strand (C>T on the coding strand, the complement: MATN3 is on the minus strand). VCF-style: chr2-19999527-G-A. GRCh37 (hg19) VCF-style: chr2-20199288-G-A.
Identifiers: ClinVar variation 5001857 (VCV005001857.1).